The following is an entry in ClinVar:

ClinVar aggregate classification (germline): Uncertain significance (1 of 4 stars; one submission).

Conditions:
Pitt-Hopkins-like syndrome 2 (PTHSL2). Identifiers: Orphanet 221150, Orphanet 600663, MedGen C3280479, MONDO:0013690, OMIM 614325.

Submission:

Labcorp Genetics (formerly Invitae), Labcorp
Classification: Uncertain significance for Pitt-Hopkins-like syndrome 2. Last evaluated: 2025-07-27. Review status: criteria provided, single submitter. Criteria: Invitae Variant Classification Sherloc (09022015). Collection method: clinical testing. Allele origin: germline.
Comment: This sequence change replaces histidine, which is basic and polar, with tyrosine, which is neutral and polar, at codon 115 of the NRXN1 protein (p.His115Tyr). This variant is not present in population databases (gnomAD no frequency). This variant has not been reported in the literature in individuals affected with NRXN1-related conditions. An algorithm developed to predict the effect of missense changes on protein structure and function (PolyPhen-2) suggests that this variant is likely to be disruptive. In summary, the available evidence is currently insufficient to determine the role of this variant in disease. Therefore, it has been classified as a Variant of Uncertain Significance.

NM_001330078.2(NRXN1):c.343C>T (p.His115Tyr)

Gene: NRXN1 (neurexin 1; minus strand). Cytogenetic location: 2p16.3.
Variant type: single nucleotide variant.
Coding change: c.343C>T on transcript NM_001330078.2 (MANE Select); coding-DNA position 343, C replaced by T.
Protein change: p.His115Tyr; replaces histidine 115 with tyrosine.
Molecular consequence: missense variant.
Genome position (GRCh38, 1-based): chr2:51,027,931, G>A on the plus strand (C>T on the coding strand, the complement: NRXN1 is on the minus strand). VCF-style: chr2-51027931-G-A. GRCh37 (hg19) VCF-style: chr2-51255069-G-A.
Other names: c.343C>T, p.His115Tyr (NM_001330086.2, NM_001330087.2, NM_001330088.2 and 15 more transcripts); short protein forms H115Y.
Identifiers: ClinVar variation 4714383 (VCV004714383.1).